The following is an entry in ClinVar:

NM_021619.3(PRDM12):c.950A>T (p.His317Leu)

Gene: PRDM12 (PR/SET domain 12; plus strand). Cytogenetic location: 9q34.12.
Variant type: single nucleotide variant.
Coding change: c.950A>T on transcript NM_021619.3 (MANE Select); coding-DNA position 950, A replaced by T.
Protein change: p.His317Leu; replaces histidine 317 with leucine.
Molecular consequence: missense variant.
Genome position (GRCh38, 1-based): chr9:130,681,515, A>T. VCF-style: chr9-130681515-A-T. GRCh37 (hg19) VCF-style: chr9-133556902-A-T.
Other names: short protein forms H317L.
Identifiers: ClinVar variation 1767208 (VCV001767208.2), dbSNP rs2490750463, ClinGen allele CA375245045.

ClinVar aggregate classification (germline): Uncertain significance (1 of 4 stars; one submission).

Conditions:
Inborn genetic diseases. Identifiers: MedGen C0950123, MeSH D030342.

Submission:

Ambry Genetics
Classification: Uncertain significance for Inborn genetic diseases. Last evaluated: 2021-11-11. Review status: criteria provided, single submitter. Criteria: Ambry Variant Classification Scheme 2023. Collection method: clinical testing. Allele origin: germline.
Comment: The p.H317L variant (also known as c.950A>T), located in coding exon 5 of the PRDM12 gene, results from an A to T substitution at nucleotide position 950. The histidine at codon 317 is replaced by leucine, an amino acid with similar properties. This amino acid position is conserved. In addition, this alteration is predicted to be deleterious by in silico analysis. Since supporting evidence is limited at this time, the clinical significance of this alteration remains unclear.